The following is an entry in ClinVar:

NM_017849.4(TMEM127):c.52C>T (p.Pro18Ser)

Genes: TMEM127 (transmembrane protein 127; minus strand), LOC129934333 (ATAC-STARR-seq lymphoblastoid silent region 11759; plus strand). Cytogenetic location: 2q11.2.
Variant type: single nucleotide variant.
Coding change: c.52C>T on transcript NM_017849.4 (MANE Select); coding-DNA position 52, C replaced by T.
Protein change: p.Pro18Ser; replaces proline 18 with serine.
Molecular consequence: missense variant.
Genome position (GRCh38, 1-based): chr2:96,265,330, G>A on the plus strand (C>T on the coding strand, the complement: TMEM127 is on the minus strand). VCF-style: chr2-96265330-G-A. GRCh37 (hg19) VCF-style: chr2-96931068-G-A.
Other names: c.52C>T, p.Pro18Ser (NM_001193304.3); short protein forms P18S.
Identifiers: ClinVar variation 486533 (VCV000486533.22), dbSNP rs1452142786, ClinGen allele CA16621984.
Genomic context (GRCh38, chr2:96,265,330, plus strand): 5'-CGCCAGGCAGGGCCGAGGCCAGGCTACGCTCCGGCTGCTTGGGCAGAGCGCTGCCTCCCG[G>A]GCTCCTCCGCCGGCGCCCGCCGGGCAGCCCTGCGCCTCCGGGGGCGTACATGCCCGGGGC-3'
Protein context (NP_060319.1, residues 8-28): GLPGGRRRRS[Pro18Ser]GGSALPKQPE

ClinVar aggregate classification (germline): Uncertain significance. Review status: criteria provided, multiple submitters, no conflicts (2 of 4 stars). 7 submissions from 7 submitters: Uncertain significance (7). Last evaluated 2025-10-30.

Conditions:
Pheochromocytoma. Also called: MAX-Related Hereditary Paraganglioma-Pheochromocytoma Syndrome. Identifiers: Orphanet 29072, MedGen C0031511, MONDO:0008233, OMIM 171300, HP:0002666.
Hereditary cancer-predisposing syndrome. Also called: Tumor predisposition; Hereditary neoplastic syndrome; Neoplastic Syndromes, Hereditary; Hereditary Cancer Syndrome. Identifiers: Orphanet 140162, MedGen C0027672, MeSH D009386, MONDO:0015356.
Hereditary pheochromocytoma and paraganglioma. Also called: Hereditary paragangliomas and pheochromocytomas; Hereditary pheochromocytoma-paraganglioma; Hereditary Paraganglioma-Pheochromocytoma Syndromes. Identifiers: Orphanet 29072, MedGen C4274332, MONDO:0017366.

Allele frequency attached by ClinVar (database versions not stated): gnomAD exomes 0.00001; gnomAD 0.00002; TOPMed 0.00002.
gnomAD v4.1: 8 of 1,520,814 alleles (0.00053%); highest among the groups gnomAD compares: African/African-American, 0.0028%; no homozygotes.

Submissions (7):

Women's Health and Genetics/Laboratory Corporation of America, LabCorp
Classification: Uncertain significance. Last evaluated: 2025-10-30. Review status: criteria provided, single submitter. Criteria: LabCorp Variant Classification Summary - May 2015. Collection method: clinical testing. Allele origin: germline.
Comment: Variant summary: TMEM127 c.52C>T (p.Pro18Ser) results in a non-conservative amino acid change in the encoded protein sequence. Algorithms developed to predict the effect of missense changes on protein structure and function are either unavailable or do not agree on the potential impact of this missense change. The variant allele was found at a frequency of 8.1e-06 in 122928 control chromosomes. The available data on variant occurrences in the general population are insufficient to allow any conclusion about variant significance. To our knowledge, no occurrence of c.52C>T in individuals affected with TMEM127-related conditions and no experimental evidence demonstrating its impact on protein function have been reported. ClinVar contains an entry for this variant (Variation ID: 486533). Based on the evidence outlined above, the variant was classified as uncertain significance.

Labcorp Genetics (formerly Invitae), Labcorp
Classification: Uncertain significance for Hereditary pheochromocytoma and paraganglioma. Last evaluated: 2025-10-16. Review status: criteria provided, single submitter. Criteria: Invitae Variant Classification Sherloc (09022015). Collection method: clinical testing. Allele origin: germline.
Comment: This sequence change replaces proline, which is neutral and non-polar, with serine, which is neutral and polar, at codon 18 of the TMEM127 protein (p.Pro18Ser). The frequency data for this variant in the population databases is considered unreliable, as metrics indicate poor data quality at this position in the gnomAD database. This variant has not been reported in the literature in individuals affected with TMEM127-related conditions. ClinVar contains an entry for this variant (Variation ID: 486533). Experimental studies and prediction algorithms are not available or were not evaluated, and the functional significance of this variant is currently unknown. In summary, the available evidence is currently insufficient to determine the role of this variant in disease. Therefore, it has been classified as a Variant of Uncertain Significance.

Ambry Genetics
Classification: Uncertain significance for Hereditary cancer-predisposing syndrome. Last evaluated: 2025-03-06. Review status: criteria provided, single submitter. Criteria: Ambry Variant Classification Scheme 2023. Collection method: clinical testing. Allele origin: germline.

GeneDx
Classification: Uncertain significance. Last evaluated: 2024-03-08. Review status: criteria provided, single submitter. Criteria: GeneDx Variant Classification Process June 2021. Collection method: clinical testing. Allele origin: germline.
Comment: Not observed at significant frequency in large population cohorts (gnomAD); In silico analysis supports that this missense variant does not alter protein structure/function; Observed in individuals with a history of breast and/or ovarian cancer who underwent whole exome sequencing (PMID: 27153395); This variant is associated with the following publications: (PMID: 27153395)

Baylor Genetics
Classification: Uncertain significance for Pheochromocytoma. Last evaluated: 2024-02-24. Review status: criteria provided, single submitter. Criteria: ACMG Guidelines, 2015. Collection method: clinical testing. Allele origin: unknown.

Quest Diagnostics Nichols Institute San Juan Capistrano
Classification: Uncertain significance. Last evaluated: 2024-02-16. Review status: criteria provided, single submitter. Criteria: Quest Diagnostics criteria. Collection method: clinical testing. Allele origin: unknown.
Comment: The TMEM127 c.52C>T (p.Pro18Ser) variant has been reported in the published literature in at least one individual at high risk for breast and/or ovarian cancer (PMID: 27153395 (2016)). The frequency of this variant in the general population, 0.0000081 (1/122928 chromosomes (Genome Aggregation Database)), is uninformative in the assessment of its pathogenicity. Analysis of this variant using bioinformatics tools for the prediction of the effect of amino acid changes on protein structure and function yielded predictions that this variant is benign. Based on the available information, we are unable to determine the clinical significance of this variant.

St. Jude Molecular Pathology, St. Jude Children's Research Hospital
Classification: Uncertain significance for Pheochromocytoma. Last evaluated: 2023-01-11. Review status: criteria provided, single submitter. Criteria: St. Jude Assertion Criteria 2020. Collection method: clinical testing. Allele origin: germline.
Comment: The TMEM127 c.52C>T (p.Pro18Ser) missense change has a maximum subpopulation frequency of 0.018% in gnomAD v2.1.1, however data at this position may not be reliable due to a mean depth of coverage less than 30X. The in silico tool REVEL predicts a benign effect of this variant on protein function, and to our knowledge functional studies have not been performed. To our knowledge, this variant has not been reported in the literature in individuals with paraganglioma or pheochromocytoma. In summary, the evidence currently available is insufficient to determine the clinical significance of this variant. It has therefore been classified as of uncertain significance.

Literature cited by the submitters: PubMed 27153395 (cited by Quest Diagnostics Nichols Institute San Juan Capistrano).